The following is an entry in ClinVar:

ClinVar aggregate classification (germline): Pathogenic (1 of 4 stars; one submission).

Conditions:
Familial cancer of breast. Also called: BREAST CANCER, FAMILIAL; hereditary breast carcinoma; Hereditary breast cancer. Identifiers: Orphanet 227535, MedGen C0346153, MONDO:0016419, OMIM 114480. Disease mechanism: loss of function.

Submission:

Labcorp Genetics (formerly Invitae), Labcorp
Classification: Pathogenic for Familial cancer of breast. Last evaluated: 2022-11-15. Review status: criteria provided, single submitter. Criteria: Invitae Variant Classification Sherloc (09022015). Collection method: clinical testing. Allele origin: germline.
Comment: For these reasons, this variant has been classified as Pathogenic. This variant has not been reported in the literature in individuals affected with PALB2-related conditions. This variant is not present in population databases (gnomAD no frequency). This sequence change creates a premature translational stop signal (p.Leu17*) in the PALB2 gene. It is expected to result in an absent or disrupted protein product. Loss-of-function variants in PALB2 are known to be pathogenic (PMID: 17200668, 17200671, 17200672, 24136930, 25099575).

Literature cited by the submitters: PubMed 17200668; PubMed 17200671; PubMed 17200672; PubMed 24136930; PubMed 25099575.

NM_024675.4(PALB2):c.50T>A (p.Leu17Ter)

Gene: PALB2 (partner and localizer of BRCA2; minus strand). Cytogenetic location: 16p12.2.
Variant type: single nucleotide variant.
Coding change: c.50T>A on transcript NM_024675.4 (MANE Select); coding-DNA position 50, T replaced by A.
Protein change: p.Leu17Ter; replaces leucine 17 with a stop codon.
Molecular consequence: nonsense. On other transcripts: 5 prime UTR variant (8), intron variant (4).
Genome position (GRCh38, 1-based): chr16:23,638,128, A>T on the plus strand (T>A on the coding strand, the complement: PALB2 is on the minus strand). VCF-style: chr16-23638128-A-T. GRCh37 (hg19) VCF-style: chr16-23649449-A-T.
Other names: c.50T>A, p.Leu17Ter (NM_001407297.1, NM_001407298.1, NM_001407299.1 and 3 more transcripts); c.-836T>A (NM_001407304.1, NM_001407305.1, NM_001407306.1 and 5 more transcripts); c.48+2982T>A (NM_001407314.1); c.-105+2982T>A (NM_001407313.1, NM_001407312.1); c.49-176T>A (NM_001407296.1); short protein forms L17*.
Identifiers: ClinVar variation 2814546 (VCV002814546.3), dbSNP rs1567224232, ClinGen allele CA395140025.